The following is an entry in ClinVar:

ClinVar aggregate classification (germline): Uncertain significance (1 of 4 stars; one submission).

Conditions:
Congenital myotonia, autosomal recessive form. Also called: BECKER DISEASE; Becker Generalized Myotonia; myotonia congenita, autosomal recessive. Identifiers: Orphanet 614, MedGen C0751360, MONDO:0009715, OMIM 255700.
Congenital myotonia, autosomal dominant form (THD). Also called: THOMSEN DISEASE; Myotonia congenita autosomal dominant. Identifiers: Orphanet 614, MedGen C2936781, MONDO:0008055, OMIM 160800.

Allele frequency attached by ClinVar (database versions not stated): TOPMed below 0.00001; gnomAD 0.00001; gnomAD exomes 0.00001.
gnomAD v4.1: 17 of 1,614,016 alleles (0.0011%); highest among the groups gnomAD compares: Non-Finnish European, 0.0014%; no homozygotes.

Submission:

Labcorp Genetics (formerly Invitae), Labcorp
Classification: Uncertain significance for Congenital myotonia, autosomal recessive form; Congenital myotonia, autosomal dominant form. Last evaluated: 2021-12-01. Review status: criteria provided, single submitter. Criteria: Invitae Variant Classification Sherloc (09022015). Collection method: clinical testing. Allele origin: germline.
Comment: This sequence change replaces leucine, which is neutral and non-polar, with methionine, which is neutral and non-polar, at codon 368 of the CLCN1 protein (p.Leu368Met). This variant is not present in population databases (gnomAD no frequency). This variant has not been reported in the literature in individuals affected with CLCN1-related conditions. Algorithms developed to predict the effect of missense changes on protein structure and function (SIFT, PolyPhen-2, Align-GVGD) all suggest that this variant is likely to be tolerated. In summary, the available evidence is currently insufficient to determine the role of this variant in disease. Therefore, it has been classified as a Variant of Uncertain Significance.

NM_000083.3(CLCN1):c.1102C>A (p.Leu368Met)

Gene: CLCN1 (chloride voltage-gated channel 1; plus strand). Cytogenetic location: 7q34.
Variant type: single nucleotide variant.
Coding change: c.1102C>A on transcript NM_000083.3 (MANE Select); coding-DNA position 1102, C replaced by A.
Protein change: p.Leu368Met; replaces leucine 368 with methionine.
Molecular consequence: missense variant. On other transcripts: non-coding transcript variant (1).
Genome position (GRCh38, 1-based): chr7:143,331,588, C>A. VCF-style: chr7-143331588-C-A. GRCh37 (hg19) VCF-style: chr7-143028681-C-A.
Other names: short protein forms L368M.
Identifiers: ClinVar variation 1411830 (VCV001411830.6), dbSNP rs1198219818, ClinGen allele CA369642166.